The following is an entry in ClinVar:

ClinVar aggregate classification (germline): Uncertain significance (1 of 4 stars; one submission).

Conditions:
Hypertrophic cardiomyopathy. Also called: HYPERTROPHIC MYOCARDIOPATHY. Identifiers: Orphanet 217569, MedGen C0007194, MeSH D002312, MONDO:0005045, HP:0001639.

Submission:

Labcorp Genetics (formerly Invitae), Labcorp
Classification: Uncertain significance for Hypertrophic cardiomyopathy. Last evaluated: 2025-02-12. Review status: criteria provided, single submitter. Criteria: Invitae Variant Classification Sherloc (09022015). Collection method: clinical testing. Allele origin: germline.
Comment: This sequence change replaces tyrosine, which is neutral and polar, with aspartic acid, which is acidic and polar, at codon 1100 of the MYBPC3 protein (p.Tyr1100Asp). This variant is not present in population databases (gnomAD no frequency). This variant has not been reported in the literature in individuals affected with MYBPC3-related conditions. ClinVar contains an entry for this variant (Variation ID: 2717193). An algorithm developed to predict the effect of missense changes on protein structure and function (PolyPhen-2) suggests that this variant is likely to be disruptive. In summary, the available evidence is currently insufficient to determine the role of this variant in disease. Therefore, it has been classified as a Variant of Uncertain Significance.

NM_000256.3(MYBPC3):c.3298T>G (p.Tyr1100Asp)

Gene: MYBPC3 (myosin binding protein C3; minus strand). Cytogenetic location: 11p11.2.
Variant type: single nucleotide variant.
Coding change: c.3298T>G on transcript NM_000256.3 (MANE Select); coding-DNA position 3298, T replaced by G.
Protein change: p.Tyr1100Asp; replaces tyrosine 1100 with aspartic acid.
Molecular consequence: missense variant.
Genome position (GRCh38, 1-based): chr11:47,333,226, A>C on the plus strand (T>G on the coding strand, the complement: MYBPC3 is on the minus strand). VCF-style: chr11-47333226-A-C. GRCh37 (hg19) VCF-style: chr11-47354777-A-C.
Other names: short protein forms Y1100D.
Identifiers: ClinVar variation 2717193 (VCV002717193.3), dbSNP rs773230208, ClinGen allele CA380314107.